The following is an entry in ClinVar:

ClinVar aggregate classification (germline): Uncertain significance (1 of 4 stars; one submission).

Submission:

Labcorp Genetics (formerly Invitae), Labcorp
Classification: Uncertain significance. Last evaluated: 2024-05-13. Review status: criteria provided, single submitter. Criteria: Invitae Variant Classification Sherloc (09022015). Collection method: clinical testing. Allele origin: germline.
Comment: This sequence change replaces serine, which is neutral and polar, with threonine, which is neutral and polar, at codon 1326 of the KAT6A protein (p.Ser1326Thr). This variant is not present in population databases (gnomAD no frequency). This variant has not been reported in the literature in individuals affected with KAT6A-related conditions. Advanced modeling of protein sequence and biophysical properties (such as structural, functional, and spatial information, amino acid conservation, physicochemical variation, residue mobility, and thermodynamic stability) performed at Invitae indicates that this missense variant is not expected to disrupt KAT6A protein function with a negative predictive value of 80%. In summary, the available evidence is currently insufficient to determine the role of this variant in disease. Therefore, it has been classified as a Variant of Uncertain Significance.

NM_006766.5(KAT6A):c.3976T>A (p.Ser1326Thr)

Gene: KAT6A (lysine acetyltransferase 6A; minus strand). Cytogenetic location: 8p11.21.
Variant type: single nucleotide variant.
Coding change: c.3976T>A on transcript NM_006766.5 (MANE Select); coding-DNA position 3976, T replaced by A.
Protein change: p.Ser1326Thr; replaces serine 1326 with threonine.
Molecular consequence: missense variant.
Genome position (GRCh38, 1-based): chr8:41,934,244, A>T on the plus strand (T>A on the coding strand, the complement: KAT6A is on the minus strand). VCF-style: chr8-41934244-A-T. GRCh37 (hg19) VCF-style: chr8-41791762-A-T.
Other names: short protein forms S1326T.
Identifiers: ClinVar variation 3692073 (VCV003692073.2).